The following is an entry in ClinVar:

ClinVar aggregate classification (germline): Conflicting classifications of pathogenicity. Review status: criteria provided, conflicting classifications (1 of 4 stars). 5 submissions from 2 submitters: Uncertain significance (2); Likely benign (3). Last evaluated 2024-01-17.

Conditions:
Retinitis pigmentosa (RP). Identifiers: Orphanet 791, MedGen C0035334, MeSH D012174, MONDO:0019200, OMIM 268000. Inheritance: Autosomal dominant, autosomal recessive and X linked inheritance.
Cone-rod dystrophy 12 (CORD12). Identifiers: Orphanet 1872, MedGen C2675210, MONDO:0012983, OMIM 612657.
Retinal macular dystrophy type 2 (MCDR2). Also called: Bull's eye macular dystrophy. Identifiers: Orphanet 319640, MedGen C4749334, MONDO:0011957, OMIM 608051.
Stargardt disease 4 (STGD4). Identifiers: Orphanet 827, MedGen C1863534, MONDO:0011370, OMIM 603786.

Allele frequency attached by ClinVar (database versions not stated): gnomAD 0.00002; gnomAD exomes 0.00002; TOPMed 0.00002; ExAC 0.00005.
gnomAD v4.1: 28 of 1,611,018 alleles (0.0017%); highest among the groups gnomAD compares: Middle Eastern, 0.05%; no homozygotes.

Submissions (5):

Labcorp Genetics (formerly Invitae), Labcorp
Classification: Likely benign. Last evaluated: 2024-01-17. Review status: criteria provided, single submitter. Criteria: Invitae Variant Classification Sherloc (09022015). Collection method: clinical testing. Allele origin: germline.

Illumina Laboratory Services, Illumina
Classification: Uncertain significance for Retinal macular dystrophy type 2. Last evaluated: 2018-01-13. Review status: criteria provided, single submitter. Criteria: ICSL Variant Classification Criteria 13 December 2019. Collection method: clinical testing. Allele origin: germline.

Illumina Laboratory Services, Illumina
Classification: Likely benign for Cone-rod dystrophy 12. Last evaluated: 2018-01-13. Review status: criteria provided, single submitter. Criteria: ICSL Variant Classification Criteria 13 December 2019. Collection method: clinical testing. Allele origin: germline.
Comment: This variant was observed in the ICSL laboratory as part of a predisposition screen in an ostensibly healthy population. It had not been previously curated by ICSL or reported in the Human Gene Mutation Database (HGMD: prior to June 1st, 2018), and was therefore a candidate for classification through an automated scoring system. Utilizing variant allele frequency, disease prevalence and penetrance estimates, and inheritance mode, an automated score was calculated to assess if this variant is too frequent to cause the disease. Based on the score and internal cut-off values, a variant classified as likely benign is not then subjected to further curation. The score for this variant resulted in a classification of likely benign for this disease.

Illumina Laboratory Services, Illumina
Classification: Uncertain significance for Retinitis pigmentosa. Last evaluated: 2018-01-13. Review status: criteria provided, single submitter. Criteria: ICSL Variant Classification Criteria 13 December 2019. Collection method: clinical testing. Allele origin: germline.

Illumina Laboratory Services, Illumina
Classification: Likely benign for Stargardt disease 4. Last evaluated: 2018-01-13. Review status: criteria provided, single submitter. Criteria: ICSL Variant Classification Criteria 13 December 2019. Collection method: clinical testing. Allele origin: germline.
Comment: the same text as in the submission from Illumina Laboratory Services, Illumina above.

NM_006017.3(PROM1):c.1377C>T (p.Gly459=)

Gene: PROM1 (prominin 1; minus strand). Cytogenetic location: 4p15.32.
Variant type: single nucleotide variant.
Coding change: c.1377C>T on transcript NM_006017.3 (MANE Select); coding-DNA position 1377, C replaced by T.
Protein change: p.Gly459=; no amino-acid change (glycine 459 retained).
Molecular consequence: synonymous variant.
Genome position (GRCh38, 1-based): chr4:16,006,615, G>A on the plus strand (C>T on the coding strand, the complement: PROM1 is on the minus strand). VCF-style: chr4-16006615-G-A. GRCh37 (hg19) VCF-style: chr4-16008238-G-A.
Other names: c.1350C>T, p.Gly450= (NM_001145847.2, NM_001145848.2, NM_001145851.2 and 4 more transcripts); c.1377C>T, p.Gly459= (NM_001145849.2, NM_001145850.2).
Identifiers: ClinVar variation 347992 (VCV000347992.10), dbSNP rs779072238, ClinGen allele CA2866789.